The following is an entry in ClinVar:

NM_000255.4(MMUT):c.385+46del

Gene: MMUT (methylmalonyl-CoA mutase; minus strand). Cytogenetic location: 6p12.3.
Variant type: Deletion.
Coding change: c.385+46del on transcript NM_000255.4 (MANE Select); 46 bases into the intron after coding-DNA position 385, one base deleted (C; older notation c.385+46delC).
Molecular consequence: intron variant.
Genome position (GRCh38, 1-based): chr6:49,459,036, G deleted on the plus strand (C on the coding strand, the reverse complement: MMUT is on the minus strand); the first of 2 consecutive G bases (chr6:49,459,036-49,459,037); deleting either gives the same sequence. VCF-style (leftmost placement, unchanged base first): chr6-49459035-AG-A. GRCh37 (hg19) VCF-style: chr6-49426748-AG-A.
Other names: KC594082.1.
Identifiers: ClinVar variation 100716 (VCV000100716.2), dbSNP rs483352793, ClinGen allele CA235531.

ClinVar aggregate classification (germline): not provided (0 of 4 stars; one submission).

Submission:

Medical Genetics Unit, Ain Shams University Pediatrics Hospital
No classification provided. Review status: no classification provided. Collection method: not provided. Allele origin: unknown.
Comment: Methylmalonic aciduria